The following is an entry in ClinVar:

ClinVar aggregate classification (germline): Benign/Likely benign. Review status: criteria provided, multiple submitters, no conflicts (2 of 4 stars). 6 submissions from 6 submitters: Benign (4); Likely benign (1). 1 of the submissions does not count toward it. Last evaluated 2026-01-04.

Conditions:
WNK4-related disorder. Also called: WNK4-related condition.
Pseudohypoaldosteronism type 2B (PHA2B). Also called: Pseudohypoaldosteronism Type IIB. Identifiers: Orphanet 757, Orphanet 88939, MedGen C1840390, MONDO:0013777, OMIM 614491.

Allele frequency attached by ClinVar (database versions not stated): gnomAD exomes 0.00095 and 0.00242; ExAC 0.00275; ESP Exome Variant Server 0.00862; gnomAD 0.00941 and 0.01001; TOPMed 0.01003; 1000 Genomes Project 30x 0.01109; 1000 Genomes Project 0.01118.

Submissions (6):

Labcorp Genetics (formerly Invitae), Labcorp
Classification: Benign. Last evaluated: 2026-01-04. Review status: criteria provided, single submitter. Criteria: Invitae Variant Classification Sherloc (09022015). Collection method: clinical testing. Allele origin: germline.

Mayo Clinic Laboratories, Mayo Clinic
Classification: Benign. Last evaluated: 2025-03-27. Review status: criteria provided, single submitter. Criteria: ACMG Guidelines, 2015. Collection method: clinical testing. Allele origin: germline. Observed: 1 variant allele.
Comment: BS1, BS2, BP4_moderate

Blueprint Genetics
Classification: Likely benign. Last evaluated: 2024-11-26. Review status: criteria provided, single submitter. Criteria: ACMG Guidelines, 2015. Collection method: clinical testing. Allele origin: germline.

Illumina Laboratory Services, Illumina
Classification: Benign for Pseudohypoaldosteronism type 2B. Last evaluated: 2018-01-12. Review status: criteria provided, single submitter. Criteria: ICSL Variant Classification Criteria 13 December 2019. Collection method: clinical testing. Allele origin: germline.
Comment: This variant was observed in the ICSL laboratory as part of a predisposition screen in an ostensibly healthy population. It had not been previously curated by ICSL or reported in the Human Gene Mutation Database (HGMD: prior to June 1st, 2018), and was therefore a candidate for classification through an automated scoring system. Utilizing variant allele frequency, disease prevalence and penetrance estimates, and inheritance mode, an automated score was calculated to assess if this variant is too frequent to cause the disease. Based on the score and internal cut-off values, a variant classified as benign is not then subjected to further curation. The score for this variant resulted in a classification of benign for this disease.

Breakthrough Genomics
Classification: Benign. Review status: criteria provided, single submitter. Criteria: ACMG Guidelines, 2015. Collection method: not provided. Allele origin: germline. Inheritance: Autosomal dominant inheritance. Affected: yes.

PreventionGenetics, part of Exact Sciences
Classification: Benign for WNK4-related condition. Last evaluated: 2024-02-12. Review status: no assertion criteria provided. Collection method: clinical testing. Allele origin: germline. Not counted in ClinVar's aggregate classification.
Comment: This variant is classified as benign based on ACMG/AMP sequence variant interpretation guidelines (Richards et al. 2015 PMID: 25741868, with internal and published modifications).

NM_032387.5(WNK4):c.16G>A (p.Ala6Thr)

Gene: WNK4 (WNK lysine deficient protein kinase 4; plus strand). Cytogenetic location: 17q21.2.
Variant type: single nucleotide variant.
Coding change: c.16G>A on transcript NM_032387.5 (MANE Select); coding-DNA position 16, G replaced by A.
Protein change: p.Ala6Thr; replaces alanine 6 with threonine.
Molecular consequence: missense variant. On other transcripts: 5 prime UTR variant (1).
Genome position (GRCh38, 1-based): chr17:42,780,714, G>A. VCF-style: chr17-42780714-G-A. GRCh37 (hg19) VCF-style: chr17-40932732-G-A.
Other names: p.Ala6Thr; c.-904G>A (NM_001321299.2); short protein forms A6T.
Identifiers: ClinVar variation 323310 (VCV000323310.18), dbSNP rs61754324, ClinGen allele CA8583589.